The following is an entry in ClinVar:

ClinVar aggregate classification (germline): Likely pathogenic. Review status: criteria provided, multiple submitters, no conflicts (2 of 4 stars). 2 submissions from 2 submitters: Likely pathogenic (2). Last evaluated 2024-05-11.

Conditions:
Orofaciodigital syndrome type 6 (OFD6). Also called: Oral-facial-digital syndrome type 6; Central polydactyly cleft lip/palate or lingual lump and psychomotor retardation; Y-shaped central metacarpal and cerebellar defect; Joubert syndrome with orofacialdigital anomalies; OROFACIODIGITAL SYNDROME VI; OFDS VI. Identifiers: Orphanet 2754, MedGen C2745997, MONDO:0010176, OMIM 277170.
Joubert syndrome 17 (JBTS17). Identifiers: Orphanet 475, MedGen C3553264, MONDO:0013824, OMIM 614615.

Submissions (2):

Fulgent Genetics
Classification: Likely pathogenic for Orofaciodigital syndrome type 6; Joubert syndrome 17. Last evaluated: 2024-05-11. Review status: criteria provided, single submitter. Criteria: ACMG Guidelines, 2015. Collection method: clinical testing. Allele origin: germline.

Labcorp Genetics (formerly Invitae), Labcorp
Classification: Likely pathogenic. Last evaluated: 2023-09-20. Review status: criteria provided, single submitter. Criteria: Invitae Variant Classification Sherloc (09022015). Collection method: clinical testing. Allele origin: germline.
Comment: In summary, the currently available evidence indicates that the variant is pathogenic, but additional data are needed to prove that conclusively. Therefore, this variant has been classified as Likely Pathogenic. Algorithms developed to predict the effect of sequence changes on RNA splicing suggest that this variant may disrupt the consensus splice site. This variant has not been reported in the literature in individuals affected with CPLANE1-related conditions. This variant is not present in population databases (gnomAD no frequency). This sequence change affects a donor splice site in intron 43 of the CPLANE1 gene. It is expected to disrupt RNA splicing. Variants that disrupt the donor or acceptor splice site typically lead to a loss of protein function (PMID: 16199547), and loss-of-function variants in CPLANE1 are known to be pathogenic (PMID: 24178751, 26092869).

Literature cited by the submitters: PubMed 16199547 (cited by Labcorp Genetics (formerly Invitae), Labcorp); PubMed 24178751 (cited by Labcorp Genetics (formerly Invitae), Labcorp); PubMed 26092869 (cited by Labcorp Genetics (formerly Invitae), Labcorp).

NM_001384732.1(CPLANE1):c.8632+1G>A

Gene: CPLANE1 (ciliogenesis and planar polarity effector complex subunit 1; minus strand). Cytogenetic location: 5p13.2.
Variant type: single nucleotide variant.
Coding change: c.8632+1G>A on transcript NM_001384732.1 (MANE Select); the canonical splice donor site of the intron after coding-DNA position 8632, G replaced by A.
Molecular consequence: splice donor variant.
Genome position (GRCh38, 1-based): chr5:37,142,309, C>T on the plus strand (G>A on the coding strand, the complement: CPLANE1 is on the minus strand). VCF-style: chr5-37142309-C-T. GRCh37 (hg19) VCF-style: chr5-37142411-C-T.
Other names: c.8470+1G>A (NM_023073.3, NM_023073.4).
Identifiers: ClinVar variation 2786223 (VCV002786223.4), dbSNP rs2547067845, ClinGen allele CA359472522.